The following is an entry in ClinVar:

ClinVar aggregate classification (germline): Likely benign (1 of 4 stars; one submission).

Submission:

CeGaT Center for Human Genetics Tuebingen
Classification: Likely benign. Last evaluated: 2026-07-01. Review status: criteria provided, single submitter. Criteria: CeGaT Center For Human Genetics Tuebingen Variant Classification Criteria Version 2. Collection method: clinical testing. Allele origin: germline. Affected: yes. Observed: 6 variant alleles.
Comment: MAGEL2: BP4, BP7

NM_019066.5(MAGEL2):c.540G>C (p.Val180=)

Gene: MAGEL2 (MAGE family member L2; minus strand). Cytogenetic location: 15q11.2.
Variant type: single nucleotide variant.
Coding change: c.540G>C on transcript NM_019066.5 (MANE Select); coding-DNA position 540, G replaced by C.
Protein change: p.Val180=; no amino-acid change (valine 180 retained).
Molecular consequence: synonymous variant.
Genome position (GRCh38, 1-based): chr15:23,647,203, C>G on the plus strand (G>C on the coding strand, the complement: MAGEL2 is on the minus strand). VCF-style: chr15-23647203-C-G. GRCh37 (hg19) VCF-style: chr15-23892350-C-G.
Identifiers: ClinVar variation 2645000 (VCV002645000.24), dbSNP rs867689406, ClinGen allele CA267661403.